The following is an entry in ClinVar:

ClinVar aggregate classification (germline): Uncertain significance (1 of 4 stars; one submission).

Allele frequency attached by ClinVar (database versions not stated): ExAC 0.00001; TOPMed 0.00002; gnomAD 0.00001; gnomAD exomes 0.00001.
gnomAD v4.1: 21 of 1,613,832 alleles (0.0013%); highest among the groups gnomAD compares: Non-Finnish European, 0.0017%; no homozygotes.

Submission:

GeneDx
Classification: Uncertain significance. Last evaluated: 2021-12-27. Review status: criteria provided, single submitter. Criteria: GeneDx Variant Classification Process June 2021. Collection method: clinical testing. Allele origin: germline. Affected: yes.
Comment: Not observed at significant frequency in large population cohorts (gnomAD); In silico analysis supports that this missense variant has a deleterious effect on protein structure/function; Has not been previously published as pathogenic or benign to our knowledge

NM_019026.6(TMCO1):c.383T>C (p.Leu128Pro)

Gene: TMCO1 (transmembrane and coiled-coil domains 1; minus strand). Cytogenetic location: 1q24.1.
Variant type: single nucleotide variant.
Coding change: c.383T>C on transcript NM_019026.6 (MANE Select); coding-DNA position 383, T replaced by C.
Protein change: p.Leu128Pro; replaces leucine 128 with proline.
Molecular consequence: missense variant. On other transcripts: non-coding transcript variant (1).
Genome position (GRCh38, 1-based): chr1:165,743,252, A>G on the plus strand (T>C on the coding strand, the complement: TMCO1 is on the minus strand). VCF-style: chr1-165743252-A-G. GRCh37 (hg19) VCF-style: chr1-165712489-A-G.
Other names: c.434T>C, p.Leu145Pro (NM_001256164.1); c.347T>C, p.Leu116Pro (NM_001256165.1); short protein forms L116P, L128P, L145P.
Identifiers: ClinVar variation 1693098 (VCV001693098.2), dbSNP rs780554889, ClinGen allele CA1221645.